The following is an entry in ClinVar:

NM_001267550.2(TTN):c.46267T>C (p.Trp15423Arg)

Gene: TTN (titin; minus strand). Cytogenetic location: 2q31.2.
Variant type: single nucleotide variant.
Coding change: c.46267T>C on transcript NM_001267550.2 (MANE Select); coding-DNA position 46267, T replaced by C.
Protein change: p.Trp15423Arg; replaces tryptophan 15423 with arginine.
Molecular consequence: missense variant.
Genome position (GRCh38, 1-based): chr2:178,620,254, A>G on the plus strand (T>C on the coding strand, the complement: TTN is on the minus strand). VCF-style: chr2-178620254-A-G. GRCh37 (hg19) VCF-style: chr2-179484981-A-G.
Other names: c.41344T>C, p.Trp13782Arg (NM_001256850.1); c.19072T>C, p.Trp6358Arg (NM_003319.4); c.38563T>C, p.Trp12855Arg (NM_133378.4); c.19447T>C, p.Trp6483Arg (NM_133432.3); c.19648T>C, p.Trp6550Arg (NM_133437.4); short protein forms W12855R, W13782R, W15423R, W6358R, W6483R, W6550R.
Identifiers: ClinVar variation 3907049 (VCV003907049.1).
Genomic context (GRCh38, chr2:178,620,254, plus strand): 5'-GAGAATAAAAAGATCTTGCTTACTTTTTGCCTTCTTTGATTTCTCTCCCATTTCTGTACC[A>G]TTTTACATTGGCTTTCTCTCTGGAGAGCTGGCAGGAGAAGACAGCGTCATCGAACTCAGT-3'
Protein context (NP_001254479.2, residues 15413-15433): QLSREKANVK[Trp15423Arg]YRNGREIKEG

ClinVar aggregate classification (germline): Uncertain significance (1 of 4 stars; one submission).

Submission:

Women's Health and Genetics/Laboratory Corporation of America, LabCorp
Classification: Uncertain significance. Last evaluated: 2025-06-17. Review status: criteria provided, single submitter. Criteria: LabCorp Variant Classification Summary - May 2015. Collection method: clinical testing. Allele origin: germline.
Comment: Variant summary: TTN c.38563T>C (p.Trp12855Arg) results in a non-conservative amino acid change in the encoded protein sequence. Algorithms developed to predict the effect of missense changes on protein structure and function all suggest that this variant is likely to be disruptive. The variant was absent in 190294 control chromosomes. The available data on variant occurrences in the general population are insufficient to allow any conclusion about variant significance. To our knowledge, no occurrence of c.38563T>C in individuals affected with Autosomal Recessive Titinopathy and no experimental evidence demonstrating its impact on protein function have been reported. No submitters have cited clinical-significance assessments for this variant to ClinVar. Based on the evidence outlined above, the variant was classified as uncertain significance.